The following is an entry in ClinVar:

NM_006031.6(PCNT):c.3109G>T (p.Glu1037Ter)

Gene: PCNT (pericentrin; plus strand). Cytogenetic location: 21q22.3.
Variant type: single nucleotide variant.
Coding change: c.3109G>T on transcript NM_006031.6 (MANE Select); coding-DNA position 3109, G replaced by T.
Protein change: p.Glu1037Ter; replaces glutamic acid 1037 with a stop codon.
Molecular consequence: nonsense.
Genome position (GRCh38, 1-based): chr21:46,367,083, G>T. VCF-style: chr21-46367083-G-T. GRCh37 (hg19) VCF-style: chr21-47786998-G-T.
Other names: c.2755G>T, p.Glu919Ter (NM_001315529.2); short protein forms E1037*, E919*.
Identifiers: ClinVar variation 4708 (VCV000004708.5), dbSNP rs119479063, ClinGen allele CA250512.

ClinVar aggregate classification (germline): Pathogenic. Review status: criteria provided, single submitter (1 of 4 stars). 2 submissions from 2 submitters: Pathogenic (1). 1 of the submissions does not count toward it. Last evaluated 2016-03-09.

Conditions:
Microcephalic osteodysplastic primordial dwarfism type II (MOPD2). Also called: MOPD II; OSTEODYSPLASTIC PRIMORDIAL DWARFISM, TYPE II; Microcephalic osteodysplastic primordial dwarfism with tooth abnormalities. Identifiers: Orphanet 2637, MedGen C0432246, MONDO:0008872, OMIM 210720.

gnomAD v4.1: 1 of 1,613,812 alleles (0.000062%); highest among the groups gnomAD compares: Non-Finnish European, 0.000085%; no homozygotes.

Submissions (2):

GeneDx
Classification: Pathogenic. Last evaluated: 2016-03-09. Review status: criteria provided, single submitter. Criteria: GeneDx Variant Classification (06012015). Collection method: clinical testing. Allele origin: germline. Affected: yes.
Comment: The E1037X pathogenic variant in the PCNT gene has been reported previously in the homozygous state in individuals with MOPDII from consanguineous families (Rauch et al., 2008; Willems et al., 2010). This variant is predicted to cause loss of normal protein function either through protein truncation or nonsense-mediated mRNA decay. Fibroblasts from an individual homozygous for the E1037X variant demonstrated abnormal mitotic morphology, low-level mosaic variegated aneuploidy, and premature sister chromatid separation (Rauch et al., 2008). The E1037X variant was not observed in approximately 6500 individuals of European and African American ancestry in the NHLBI Exome Sequencing Project, indicating it is not a common benign variant in these populations. We interpret E1037X as a pathogenic variant.

OMIM
Classification: Pathogenic for MICROCEPHALIC OSTEODYSPLASTIC PRIMORDIAL DWARFISM, TYPE II. Last evaluated: 2010-12-01. Review status: no assertion criteria provided. Collection method: literature only. Allele origin: germline. Not counted in ClinVar's aggregate classification.

Literature cited by the submitters: PubMed 18174396 (cited by OMIM); PubMed 19643772 (cited by OMIM).